The following is an entry in ClinVar:

ClinVar aggregate classification (germline): Uncertain significance (0 of 4 stars; one submission).

Conditions:
EPHA2-related disorder. Also called: EPHA2-related condition.

gnomAD v4.1: 1 of 1,613,892 alleles (0.000062%); highest among the groups gnomAD compares: African/African-American, 0.0013%; no homozygotes.

Submission:

PreventionGenetics, part of Exact Sciences
Classification: Uncertain significance for EPHA2-related condition. Last evaluated: 2024-04-29. Review status: no assertion criteria provided. Collection method: clinical testing. Allele origin: germline.
Comment: The EPHA2 c.1522C>G variant is predicted to result in the amino acid substitution p.Gln508Glu. To our knowledge, this variant has not been reported in the literature or in a large population database, indicating this variant is rare. At this time, the clinical significance of this variant is uncertain due to the absence of conclusive functional and genetic evidence.

NM_004431.5(EPHA2):c.1522C>G (p.Gln508Glu)

Gene: EPHA2 (EPH receptor A2; minus strand). Cytogenetic location: 1p36.13.
Variant type: single nucleotide variant.
Coding change: c.1522C>G on transcript NM_004431.5 (MANE Select); coding-DNA position 1522, C replaced by G.
Protein change: p.Gln508Glu; replaces glutamine 508 with glutamic acid.
Molecular consequence: missense variant.
Genome position (GRCh38, 1-based): chr1:16,135,096, G>C on the plus strand (C>G on the coding strand, the complement: EPHA2 is on the minus strand). VCF-style: chr1-16135096-G-C. GRCh37 (hg19) VCF-style: chr1-16461591-G-C.
Other names: c.1360C>G, p.Gln454Glu (NM_001329090.2); short protein forms Q454E, Q508E.
Identifiers: ClinVar variation 3345942 (VCV003345942.1).
Genomic context (GRCh38, chr1:16,135,096, plus strand): 5'-ACAGCGTCTGGAATTCGTGCACCTTGCTGCCGGCCCCCTGGCCCTCCTGCGTCAGTGCCT[G>C]CACCTGGACCAGGTAGGTGGTGTCTGGGGCCAGGTCGTCCAGGGTCACGGAGAAACCCTC-3'
Protein context (NP_004422.2, residues 498-518): APDTTYLVQV[Gln508Glu]ALTQEGQGAG